The following is an entry in ClinVar:

ClinVar aggregate classification (germline): Uncertain significance (1 of 4 stars; one submission).

Allele frequency attached by ClinVar (database versions not stated): gnomAD exomes below 0.00001; ExAC 0.00001.

Submission:

CeGaT Center for Human Genetics Tuebingen
Classification: Uncertain significance. Last evaluated: 2023-03-01. Review status: criteria provided, single submitter. Criteria: CeGaT Center For Human Genetics Tuebingen Variant Classification Criteria Version 2. Collection method: clinical testing. Allele origin: germline. Affected: yes. Observed: 1 variant allele.
Comment: SCN1A: PM2, PP2, PP3

NM_001165963.4(SCN1A):c.3908C>T (p.Ala1303Val)

Genes: SCN1A (sodium voltage-gated channel alpha subunit 1; minus strand), LOC102724058 (uncharacterized LOC102724058; plus strand). Cytogenetic location: 2q24.3.
Variant type: single nucleotide variant.
Coding change: c.3908C>T on transcript NM_001165963.4 (MANE Select); coding-DNA position 3908, C replaced by T.
Protein change: p.Ala1303Val; replaces alanine 1303 with valine.
Molecular consequence: missense variant. On other transcripts: non-coding transcript variant (1).
Genome position (GRCh38, 1-based): chr2:166,009,813, G>A on the plus strand (C>T on the coding strand, the complement: SCN1A is on the minus strand). VCF-style: chr2-166009813-G-A. GRCh37 (hg19) VCF-style: chr2-166866323-G-A.
Other names: c.3875C>T, p.Ala1292Val (NM_006920.6, NM_001353949.2, NM_001353950.2 and 2 more transcripts); c.3824C>T, p.Ala1275Val (NM_001165964.3, NM_001353957.2, NM_001353958.2); c.3908C>T, p.Ala1303Val (NM_001202435.3, NM_001353948.2); c.3872C>T, p.Ala1291Val (NM_001353954.2, NM_001353955.2); c.3821C>T, p.Ala1274Val (NM_001353960.2); c.1466C>T, p.Ala489Val (NM_001353961.2); short protein forms A1274V, A1275V, A1291V, A1292V, A1303V, A489V.
Identifiers: ClinVar variation 2651498 (VCV002651498.24), dbSNP rs758583890, ClinGen allele CA1942864.